The following is an entry in ClinVar:

NM_004448.4(ERBB2):c.1300C>T (p.Arg434Ter)

Gene: ERBB2 (erb-b2 receptor tyrosine kinase 2; plus strand). Cytogenetic location: 17q12.
Variant type: single nucleotide variant.
Coding change: c.1300C>T on transcript NM_004448.4 (MANE Select); coding-DNA position 1300, C replaced by T.
Protein change: p.Arg434Ter; replaces arginine 434 with a stop codon.
Molecular consequence: nonsense. On other transcripts: non-coding transcript variant (1), intron variant (1).
Genome position (GRCh38, 1-based): chr17:39,715,523, C>T. VCF-style: chr17-39715523-C-T. GRCh37 (hg19) VCF-style: chr17-37871776-C-T.
Other names: c.1210C>T, p.Arg404Ter (NM_001005862.3, NM_001289938.2, NM_001382782.1 and 1 more transcripts); c.1255C>T, p.Arg419Ter (NM_001289936.2); c.1300C>T, p.Arg434Ter (NM_001289937.2, NM_001382785.1, NM_001382788.1 and 13 more transcripts); c.1417C>T, p.Arg473Ter (NM_001382784.1, NM_001382786.1); c.1375C>T, p.Arg459Ter (NM_001382787.1); c.1291C>T, p.Arg431Ter (NM_001382791.1); c.1120C>T, p.Arg374Ter (NM_001382799.1); c.1042C>T, p.Arg348Ter (NM_001382802.1); and 2 more; short protein forms R374*, R459*, R158*, R348*, R434*, R404*, R419*, R431*.
Identifiers: ClinVar variation 1503734 (VCV001503734.6), dbSNP rs2059068500, ClinGen allele CA399290016.

ClinVar aggregate classification (germline): Uncertain significance (1 of 4 stars; one submission).

Allele frequency attached by ClinVar (database versions not stated): gnomAD exomes below 0.00001; TOPMed below 0.00001; gnomAD 0.00001.
gnomAD v4.1: 8 of 1,614,098 alleles (0.0005%); highest among the groups gnomAD compares: Middle Eastern, 0.016%; no homozygotes.

Submission:

Labcorp Genetics (formerly Invitae), Labcorp
Classification: Uncertain significance. Last evaluated: 2021-11-22. Review status: criteria provided, single submitter. Criteria: Invitae Variant Classification Sherloc (09022015). Collection method: clinical testing. Allele origin: germline.
Comment: This sequence change creates a premature translational stop signal (p.Arg434*) in the ERBB2 gene. It is expected to result in an absent or disrupted protein product. However, the current clinical and genetic evidence is not sufficient to establish whether loss-of-function variants in ERBB2 cause disease. This variant is not present in population databases (gnomAD no frequency). This variant has not been reported in the literature in individuals affected with ERBB2-related conditions. Experimental studies and prediction algorithms are not available or were not evaluated, and the functional significance of this variant is currently unknown. In summary, the available evidence is currently insufficient to determine the role of this variant in disease. Therefore, it has been classified as a Variant of Uncertain Significance.